The following is an entry in ClinVar:

ClinVar aggregate classification (germline): Uncertain significance (1 of 4 stars; one submission).

gnomAD v4.1: 1 of 1,614,090 alleles (0.000062%); highest among the groups gnomAD compares: Admixed American, 0.0017%; no homozygotes.

Submission:

Labcorp Genetics (formerly Invitae), Labcorp
Classification: Uncertain significance. Last evaluated: 2022-07-20. Review status: criteria provided, single submitter. Criteria: Invitae Variant Classification Sherloc (09022015). Collection method: clinical testing. Allele origin: germline.
Comment: In summary, the available evidence is currently insufficient to determine the role of this variant in disease. Therefore, it has been classified as a Variant of Uncertain Significance. Algorithms developed to predict the effect of missense changes on protein structure and function output the following: SIFT: "Tolerated"; PolyPhen-2: "Benign"; Align-GVGD: "Class C0". The aspartic acid amino acid residue is found in multiple mammalian species, which suggests that this missense change does not adversely affect protein function. This variant has not been reported in the literature in individuals affected with AHDC1-related conditions. This variant is present in population databases (no rsID available, gnomAD 0.003%). This sequence change replaces glutamic acid, which is acidic and polar, with aspartic acid, which is acidic and polar, at codon 611 of the AHDC1 protein (p.Glu611Asp).

NM_001371928.1(AHDC1):c.1833G>C (p.Glu611Asp)

Gene: AHDC1 (AT-hook DNA binding motif containing 1; minus strand). Cytogenetic location: 1p36.11.
Variant type: single nucleotide variant.
Coding change: c.1833G>C on transcript NM_001371928.1 (MANE Select); coding-DNA position 1833, G replaced by C.
Protein change: p.Glu611Asp; replaces glutamic acid 611 with aspartic acid.
Molecular consequence: missense variant.
Genome position (GRCh38, 1-based): chr1:27,550,283, C>G on the plus strand (G>C on the coding strand, the complement: AHDC1 is on the minus strand). VCF-style: chr1-27550283-C-G. GRCh37 (hg19) VCF-style: chr1-27876794-C-G.
Other names: c.1833G>C, p.Glu611Asp (NM_001029882.3); short protein forms E611D.
Identifiers: ClinVar variation 2070019 (VCV002070019.4), dbSNP rs1208071899, ClinGen allele CA339233250.